The following is an entry in ClinVar:

ClinVar aggregate classification (germline): Pathogenic (1 of 4 stars; one submission).

Conditions:
Intellectual developmental disorder, X-linked, syndromic, Houge type. Also called: MENTAL RETARDATION, X-LINKED, SYNDROMIC, HOUGE TYPE; Intellectual disability, X-linked, syndromic, Houge type. Identifiers: MedGen C4538788, MONDO:0030909, OMIM 301008.

Submission:

Institute of Human Genetics, University of Leipzig Medical Center
Classification: Pathogenic for Intellectual developmental disorder, X-linked, syndromic, Houge type. Last evaluated: 2024-07-25. Review status: criteria provided, single submitter. Criteria: ACMG Guidelines, 2015. Collection method: clinical testing. Allele origin: maternal. Affected: yes.
Comment: Criteria applied: PVS1,PM2

NM_014927.5(CNKSR2):c.1979G>A (p.Trp660Ter)

Gene: CNKSR2 (connector enhancer of kinase suppressor of Ras 2; plus strand). Cytogenetic location: Xp22.12.
Variant type: single nucleotide variant.
Coding change: c.1979G>A on transcript NM_014927.5 (MANE Select); coding-DNA position 1979, G replaced by A.
Protein change: p.Trp660Ter; replaces tryptophan 660 with a stop codon.
Molecular consequence: nonsense.
Genome position (GRCh38, 1-based): chrX:21,601,284, G>A. VCF-style: chrX-21601284-G-A. GRCh37 (hg19) VCF-style: chrX-21619402-G-A.
Other names: c.1889G>A, p.Trp630Ter (NM_001168647.3, NM_001330773.2); c.1979G>A, p.Trp660Ter (NM_001168648.3); c.1832G>A, p.Trp611Ter (NM_001168649.3, NM_001330770.2); c.1742G>A, p.Trp581Ter (NM_001330771.2, NM_001330772.2); short protein forms W581*, W611*, W630*, W660*.
Identifiers: ClinVar variation 3359078 (VCV003359078.2).